The following is an entry in ClinVar:

NM_001903.5(CTNNA1):c.124A>G (p.Thr42Ala)

Gene: CTNNA1 (catenin alpha 1; plus strand). Cytogenetic location: 5q31.2.
Variant type: single nucleotide variant.
Coding change: c.124A>G on transcript NM_001903.5 (MANE Select); coding-DNA position 124, A replaced by G.
Protein change: p.Thr42Ala; replaces threonine 42 with alanine.
Molecular consequence: missense variant. On other transcripts: 5 prime UTR variant (1), intron variant (1).
Genome position (GRCh38, 1-based): chr5:138,783,195, A>G. VCF-style: chr5-138783195-A-G. GRCh37 (hg19) VCF-style: chr5-138118884-A-G.
Other names: c.124A>G, p.Thr42Ala (NM_001290307.3, NM_001323982.2, NM_001323983.1 and 3 more transcripts); c.-83A>G (NM_001290310.3); c.-9+1166A>G (NM_001290309.3); short protein forms T42A.
Identifiers: ClinVar variation 3837168 (VCV003837168.1).
Genomic context (GRCh38, chr5:138,783,195, plus strand): 5'-TTTTAATTGACTCCAGTTTAATGTTAAAAATGAAACTTTTAGGTTACAACCCTTGTAAAC[A>G]CCAATAGTAAAGGGCCCTCTAATAAGAAGAGAGGTCGTTCTAAGAAGGCCCATGTTTTGG-3'
Protein context (NP_001894.2, residues 32-52): LVTQVTTLVN[Thr42Ala]NSKGPSNKKR

ClinVar aggregate classification (germline): Uncertain significance (1 of 4 stars; one submission).

Conditions:
Hereditary cancer-predisposing syndrome. Also called: Hereditary neoplastic syndrome; Neoplastic Syndromes, Hereditary; Tumor predisposition; Hereditary Cancer Syndrome. Identifiers: Orphanet 140162, MedGen C0027672, MeSH D009386, MONDO:0015356.

Submission:

Ambry Genetics
Classification: Uncertain significance for Hereditary cancer-predisposing syndrome. Last evaluated: 2025-01-06. Review status: criteria provided, single submitter. Criteria: Ambry Variant Classification Scheme 2023. Collection method: clinical testing. Allele origin: germline.
Comment: The p.T42A variant (also known as c.124A>G), located in coding exon 2 of the CTNNA1 gene, results from an A to G substitution at nucleotide position 124. The threonine at codon 42 is replaced by alanine, an amino acid with similar properties. This amino acid position is conserved. In addition, this alteration is predicted to be tolerated by in silico analysis. Based on the available evidence, the clinical significance of this variant remains unclear.